The following is an entry in ClinVar:

ClinVar aggregate classification (germline): Pathogenic (1 of 4 stars; one submission).

Conditions:
Ciliopathy. Also called: Ciliopathies. Identifiers: Orphanet 363250, MedGen C4277690, MONDO:0005308, MeSH D000072661.

Submission:

Myriad Genetics, Inc.
Classification: Pathogenic for Ciliopathy. Last evaluated: 2024-06-03. Review status: criteria provided, single submitter. Criteria: Myriad Autosomal Dominant, Autosomal Recessive and X-Linked Classification Criteria (2023). Collection method: clinical testing. Allele origin: unknown.
Comment: NM_017777.3(MKS1):c.975T>G(Y325*) is expected to be pathogenic in the context of MKS1-related disorders. This variant is predicted to lead to an abnormal or absent protein product due to the creation of a premature termination codon in MKS1, a gene where loss-of-function variants are known to be pathogenic. Please note: this variant was assessed in the context of healthy population screening.

NM_017777.4(MKS1):c.975T>G (p.Tyr325Ter)

Gene: MKS1 (MKS transition zone complex subunit 1; minus strand). Cytogenetic location: 17q22.
Variant type: single nucleotide variant.
Coding change: c.975T>G on transcript NM_017777.4 (MANE Select); coding-DNA position 975, T replaced by G.
Protein change: p.Tyr325Ter; replaces tyrosine 325 with a stop codon.
Molecular consequence: nonsense.
Genome position (GRCh38, 1-based): chr17:58,210,708, A>C on the plus strand (T>G on the coding strand, the complement: MKS1 is on the minus strand). VCF-style: chr17-58210708-A-C. GRCh37 (hg19) VCF-style: chr17-56288069-A-C.
Other names: c.366T>G, p.Tyr122Ter (NM_001321268.2); c.975T>G, p.Tyr325Ter (NM_001321269.2, NM_001330397.2, NM_001411113.1); short protein forms Y122*, Y325*.
Identifiers: ClinVar variation 5013139 (VCV005013139.1).